The following is an entry in ClinVar:

ClinVar aggregate classification (germline): Uncertain significance (1 of 4 stars; one submission).

gnomAD v4.1: 4 of 1,552,800 alleles (0.00026%); highest among the groups gnomAD compares: Non-Finnish European, 0.00026%; no homozygotes.

Submission:

Labcorp Genetics (formerly Invitae), Labcorp
Classification: Uncertain significance. Last evaluated: 2023-04-28. Review status: criteria provided, single submitter. Criteria: Invitae Variant Classification Sherloc (09022015). Collection method: clinical testing. Allele origin: germline.
Comment: This sequence change falls in intron 22 of the TNNI3K gene. It does not directly change the encoded amino acid sequence of the TNNI3K protein. It affects a nucleotide within the consensus splice site. In summary, the available evidence is currently insufficient to determine the role of this variant in disease. Therefore, it has been classified as a Variant of Uncertain Significance. Variants that disrupt the consensus splice site are a relatively common cause of aberrant splicing (PMID: 17576681, 9536098). Algorithms developed to predict the effect of sequence changes on RNA splicing suggest that this variant is not likely to affect RNA splicing. This variant has not been reported in the literature in individuals affected with TNNI3K-related conditions. This variant is not present in population databases (gnomAD no frequency).

Literature cited by the submitters: PubMed 17576681; PubMed 9536098.

NM_015978.3(TNNI3K):c.2182-3C>T

Genes: FPGT-TNNI3K (FPGT-TNNI3K readthrough; plus strand), LRRC53 (leucine rich repeat containing 53; minus strand), TNNI3K (TNNI3 interacting kinase; plus strand). Cytogenetic location: 1p31.1.
Variant type: single nucleotide variant.
Coding change: c.2182-3C>T on transcript NM_015978.3 (MANE Select); 3 bases into the intron before coding-DNA position 2182, C replaced by T.
Molecular consequence: intron variant.
Genome position (GRCh38, 1-based): chr1:74,492,094, C>T. VCF-style: chr1-74492094-C-T. GRCh37 (hg19) VCF-style: chr1-74957778-C-T.
Other names: c.2485-3C>T (NM_001112808.3); c.-8-11126G>A (NM_001364666.2); c.-26-8719G>A (NM_001382280.1).
Identifiers: ClinVar variation 2794020 (VCV002794020.3), dbSNP rs1669108160, ClinGen allele CA1176187452.